The following is an entry in ClinVar:

NC_000011.9:g.(?_103306651)_(103349981_?)del

Gene: DYNC2H1 (dynein cytoplasmic 2 heavy chain 1; plus strand). Cytogenetic location: 11q22.3.
Variant type: Deletion.
Identifiers: ClinVar variation 3244576 (VCV003244576.1).

ClinVar aggregate classification (germline): Pathogenic (1 of 4 stars; one submission).

Conditions:
Jeune thoracic dystrophy. Also called: Jeune's syndrome; Chondroectodermal dysplasia-like syndrome; Short-rib thoracic dysplasia; Jeune syndrome; Infantile thoracic dystrophy; Thoracic pelvic phalangeal dystrophy. Identifiers: Orphanet 474, MedGen C0265275, MONDO:0018770.

Submission:

Labcorp Genetics (formerly Invitae), Labcorp
Classification: Pathogenic for Jeune thoracic dystrophy. Last evaluated: 2023-04-28. Review status: criteria provided, single submitter. Criteria: Invitae Variant Classification Sherloc (09022015). Collection method: clinical testing. Allele origin: unknown.
Comment: For these reasons, this variant has been classified as Pathogenic. This variant disrupts a region of the DYNC2H1 protein in which other variant(s) (p.Pro4144Arg) have been determined to be pathogenic (PMID: 29068549, 30655312, 30773290). This suggests that this is a clinically significant region of the protein, and that variants that disrupt it are likely to be disease-causing. This variant has not been reported in the literature in individuals affected with DYNC2H1-related conditions. This variant is a gross deletion of the genomic region encompassing exon(s) 86-90 of the DYNC2H1 gene, which includes the termination codon. This deletion extends beyond the assayed region for this gene and therefore may encompass additional genes. While this deletion is not anticipated to lead to nonsense mediated decay, it is expected to alter mRNA translation or result in a truncated protein product.

Literature cited by the submitters: PubMed 29068549; PubMed 30655312; PubMed 30773290.